The following is an entry in ClinVar:

ClinVar aggregate classification (germline): Uncertain significance (1 of 4 stars; one submission).

Conditions:
Neuropathy, hereditary sensory, type 2C. Also called: KIF1A-Related HSAN2 (HSAN2C); Hereditary sensory and autonomic neuropathy type IIC. Identifiers: Orphanet 970, MedGen C3280168, MONDO:0013634, OMIM 614213.
Intellectual disability, autosomal dominant 9 (NESCAVS). Also called: NESCAV SYNDROME; KIF1A-Related Neurodevelopmental Disorder. Identifiers: Orphanet 662367, MedGen C5393830, MONDO:0013656, OMIM 614255.
Hereditary spastic paraplegia 30. Identifiers: Orphanet 101010, MedGen C5235139, MONDO:0012476.

Submission:

Labcorp Genetics (formerly Invitae), Labcorp
Classification: Uncertain significance for Hereditary spastic paraplegia 30; Neuropathy, hereditary sensory, type 2C; Intellectual disability, autosomal dominant 9. Last evaluated: 2019-07-05. Review status: criteria provided, single submitter. Criteria: Invitae Variant Classification Sherloc (09022015). Collection method: clinical testing. Allele origin: germline.
Comment: This sequence change affects codon 1160 of the KIF1A mRNA. It is a 'silent' change, meaning that it does not change the encoded amino acid sequence of the KIF1A protein. In summary, the available evidence is currently insufficient to determine the role of this variant in disease. Therefore, it has been classified as a Variant of Uncertain Significance. Algorithms developed to predict the effect of sequence changes on RNA splicing suggest that this variant may create or strengthen a splice site, but this prediction has not been confirmed by published transcriptional studies. This variant has not been reported in the literature in individuals with KIF1A-related conditions. This variant is not present in population databases (ExAC no frequency).

NM_001244008.2(KIF1A):c.3783C>T (p.Gly1261=)

Genes: KIF1A (kinesin family member 1A; minus strand), LOC126806583 (P300/CBP strongly-dependent group 1 enhancer GRCh37_chr2:241678910-241680109; plus strand). Cytogenetic location: 2q37.3.
Variant type: single nucleotide variant.
Coding change: c.3783C>T on transcript NM_001244008.2 (MANE Select); coding-DNA position 3783, C replaced by T.
Protein change: p.Gly1261=; no amino-acid change (glycine 1261 retained).
Molecular consequence: synonymous variant.
Genome position (GRCh38, 1-based): chr2:240,740,331, G>A on the plus strand (C>T on the coding strand, the complement: KIF1A is on the minus strand). VCF-style: chr2-240740331-G-A. GRCh37 (hg19) VCF-style: chr2-241679748-G-A.
Other names: c.3507C>T, p.Gly1169= (NM_001320705.2, NM_001330289.2, NM_001379638.1); c.3582C>T, p.Gly1194= (NM_001330290.2, NM_001379634.1, NM_001379635.1 and 1 more transcripts); c.3858C>T, p.Gly1286= (NM_001379631.1); c.3732C>T, p.Gly1244= (NM_001379632.1); c.3756C>T, p.Gly1252= (NM_001379633.1, NM_001379642.1, NM_001379645.1); c.3480C>T, p.Gly1160= (NM_001379636.1, NM_001379639.1, NM_001379641.1 and 5 more transcripts); c.3555C>T, p.Gly1185= (NM_001379637.1, NM_001379648.1); c.3477C>T, p.Gly1159= (NM_001379640.1).
Identifiers: ClinVar variation 940019 (VCV000940019.10), dbSNP rs2047813399, ClinGen allele CA432025153.